The following is an entry in ClinVar:

NM_014140.4(SMARCAL1):c.2599A>T (p.Thr867Ser)

Gene: SMARCAL1 (SNF2 related chromatin remodeling annealing helicase 1; plus strand). Cytogenetic location: 2q35.
Variant type: single nucleotide variant.
Coding change: c.2599A>T on transcript NM_014140.4 (MANE Select); coding-DNA position 2599, A replaced by T.
Protein change: p.Thr867Ser; replaces threonine 867 with serine.
Molecular consequence: missense variant.
Genome position (GRCh38, 1-based): chr2:216,478,273, A>T. VCF-style: chr2-216478273-A-T. GRCh37 (hg19) VCF-style: chr2-217342996-A-T.
Other names: c.2599A>T, p.Thr867Ser (NM_001127207.2); short protein forms T867S.
Identifiers: ClinVar variation 2131296 (VCV002131296.4), dbSNP rs2469051992, ClinGen allele CA350505046.

ClinVar aggregate classification (germline): Uncertain significance (1 of 4 stars; one submission).

Conditions:
Schimke immuno-osseous dysplasia (SIOD). Also called: Schimke Immunoosseous Dysplasia. Identifiers: Orphanet 1830, MedGen C0877024, MONDO:0009458, OMIM 242900.

Submission:

Labcorp Genetics (formerly Invitae), Labcorp
Classification: Uncertain significance for Schimke immuno-osseous dysplasia. Last evaluated: 2022-04-28. Review status: criteria provided, single submitter. Criteria: Invitae Variant Classification Sherloc (09022015). Collection method: clinical testing. Allele origin: germline.
Comment: Algorithms developed to predict the effect of missense changes on protein structure and function (SIFT, PolyPhen-2, Align-GVGD) all suggest that this variant is likely to be tolerated. This sequence change replaces threonine, which is neutral and polar, with serine, which is neutral and polar, at codon 867 of the SMARCAL1 protein (p.Thr867Ser). This variant is not present in population databases (gnomAD no frequency). This variant has not been reported in the literature in individuals affected with SMARCAL1-related conditions. In summary, the available evidence is currently insufficient to determine the role of this variant in disease. Therefore, it has been classified as a Variant of Uncertain Significance.